The following is an entry in ClinVar:

ClinVar aggregate classification (germline): Conflicting classifications of pathogenicity. Review status: criteria provided, conflicting classifications (1 of 4 stars). 4 submissions from 4 submitters: Uncertain significance (3); Likely benign (1). Last evaluated 2025-07-17.

Conditions:
Hereditary spastic paraplegia 6 (SPG6). Also called: SPASTIC PARAPLEGIA 6, AUTOSOMAL DOMINANT. Identifiers: Orphanet 100988, MedGen C1838192, MONDO:0010878, OMIM 600363.

Allele frequency attached by ClinVar (database versions not stated): gnomAD 0.00005 and 0.00016; TOPMed 0.00011; gnomAD exomes 0.00015.
gnomAD v4.1: 158 of 1,072,406 alleles (0.015%); highest among the groups gnomAD compares: East Asian, 1.1%; no homozygotes.

Submissions (4):

Mayo Clinic Laboratories, Mayo Clinic
Classification: Likely benign. Last evaluated: 2025-07-17. Review status: criteria provided, single submitter. Criteria: ACMG Guidelines, 2015. Collection method: clinical testing. Allele origin: germline. Observed: 1 variant allele.
Comment: BS1, BP4_moderate

Labcorp Genetics (formerly Invitae), Labcorp
Classification: Uncertain significance for Hereditary spastic paraplegia 6. Last evaluated: 2024-09-23. Review status: criteria provided, single submitter. Criteria: Invitae Variant Classification Sherloc (09022015). Collection method: clinical testing. Allele origin: germline.
Comment: This sequence change replaces threonine, which is neutral and polar, with isoleucine, which is neutral and non-polar, at codon 3 of the NIPA1 protein (p.Thr3Ile). This variant is present in population databases (no rsID available, gnomAD 0.2%). This missense change has been observed in individual(s) with hereditary spastic paraplegia (PMID: 32501971). ClinVar contains an entry for this variant (Variation ID: 887004). Experimental studies and prediction algorithms are not available or were not evaluated, and the functional significance of this variant is currently unknown. In summary, the available evidence is currently insufficient to determine the role of this variant in disease. Therefore, it has been classified as a Variant of Uncertain Significance.

Department of Pathology and Laboratory Medicine, Sinai Health System
Classification: Uncertain significance for Hereditary spastic paraplegia 6. Last evaluated: 2022-05-18. Review status: criteria provided, single submitter. Criteria: ACMG Guidelines, 2015. Collection method: research. Allele origin: germline.

Illumina Laboratory Services, Illumina
Classification: Uncertain significance for Hereditary spastic paraplegia 6. Last evaluated: 2018-01-13. Review status: criteria provided, single submitter. Criteria: ICSL Variant Classification Criteria 13 December 2019. Collection method: clinical testing. Allele origin: germline.

Literature cited by the submitters: PubMed 32501971 (cited by Mayo Clinic Laboratories, Mayo Clinic and Labcorp Genetics (formerly Invitae), Labcorp).

NM_144599.5(NIPA1):c.8C>T (p.Thr3Ile)

Genes: NIPA1 (NIPA magnesium transporter 1; plus strand), LOC130056709 (ATAC-STARR-seq lymphoblastoid silent region 6259; plus strand). Cytogenetic location: 15q11.2.
Variant type: single nucleotide variant.
Coding change: c.8C>T on transcript NM_144599.5 (MANE Select); coding-DNA position 8, C replaced by T.
Protein change: p.Thr3Ile; replaces threonine 3 with isoleucine.
Molecular consequence: missense variant. On other transcripts: intron variant (1).
Genome position (GRCh38, 1-based): chr15:22,786,664, C>T. VCF-style: chr15-22786664-C-T. GRCh37 (hg19) VCF-style: chr15-23086404-G-A.
Other names: p.Thr3Ile; c.-48+416C>T (NM_001142275.1); short protein forms T3I.
Identifiers: ClinVar variation 887004 (VCV000887004.9), dbSNP rs1361753522, ClinGen allele CA391298155.
Genomic context (GRCh38, chr15:22,786,664, plus strand): 5'-GCCCCGCGGGGCGCGGCGCGCAGGCGCAGGCTCGGAGGGCGGGCGCGGGCGGAATGGGGA[C>T]TGCAGCTGCGGCAGCGGCGGCGGCGGCGGCGGCGGCGGCCGGGGAGGGGGCGCGTAGCCC-3'
Protein context (NP_653200.2, residues 1-13): MG[Thr3Ile]AAAAAAAAAA